The following is an entry in ClinVar:

NM_014112.5(TRPS1):c.2725del (p.Cys909fs)

Gene: TRPS1 (transcriptional repressor GATA binding 1; minus strand). Cytogenetic location: 8q23.3.
Variant type: Deletion.
Coding change: c.2725del on transcript NM_014112.5 (MANE Select); coding-DNA position 2725, one base deleted (T; older notation c.2725delT).
Protein change: p.Cys909fs; shifts the reading frame from cysteine 909.
Molecular consequence: frameshift variant.
Genome position (GRCh38, 1-based): chr8:115,418,428, A deleted on the plus strand (T on the coding strand, the reverse complement: TRPS1 is on the minus strand); the first of 6 consecutive A bases (chr8:115,418,428-115,418,433); deleting any one gives the same sequence. VCF-style (leftmost placement, unchanged base first): chr8-115418427-CA-C. GRCh37 (hg19) VCF-style: chr8-116430655-CA-C.
Other names: c.2698del, p.Cys900fs (NM_001282902.3); c.2704del, p.Cys902fs (NM_001282903.3); c.2686del, p.Cys896fs (NM_001330599.2); short protein forms C909fs, C896fs, C902fs, C900fs.
Identifiers: ClinVar variation 3183448 (VCV003183448.1), dbSNP rs1554617582, ClinGen allele CA462631451.

ClinVar aggregate classification (germline): Pathogenic (1 of 4 stars; one submission).

Conditions:
Inborn genetic diseases. Identifiers: MedGen C0950123, MeSH D030342.

Submission:

Ambry Genetics
Classification: Pathogenic for Inborn genetic diseases. Last evaluated: 2024-01-31. Review status: criteria provided, single submitter. Criteria: Ambry Variant Classification Scheme 2023. Collection method: clinical testing. Allele origin: germline.
Comment: The c.2725delT (p.C909Vfs*5) alteration, located in exon 6 (coding exon 5) of the TRPS1 gene, consists of a deletion of one nucleotide at position 2725, causing a translational frameshift with a predicted alternate stop codon after 5 amino acids. This alteration is expected to result in loss of function by premature protein truncation or nonsense-mediated mRNA decay. This variant was not reported in population-based cohorts in the Genome Aggregation Database (gnomAD). Based on the available evidence, this alteration is classified as pathogenic.